The following is an entry in ClinVar:

NM_000552.5(VWF):c.4824C>T (p.Thr1608=)

Gene: VWF (von Willebrand factor; minus strand). Cytogenetic location: 12p13.31.
Variant type: single nucleotide variant.
Coding change: c.4824C>T on transcript NM_000552.5 (MANE Select); coding-DNA position 4824, C replaced by T.
Protein change: p.Thr1608=; no amino-acid change (threonine 1608 retained).
Molecular consequence: synonymous variant.
Genome position (GRCh38, 1-based): chr12:6,018,594, G>A on the plus strand (C>T on the coding strand, the complement: VWF is on the minus strand). VCF-style: chr12-6018594-G-A. GRCh37 (hg19) VCF-style: chr12-6127760-G-A.
Other names: c.4824C>T (NM_000552.4).
Identifiers: ClinVar variation 439342 (VCV000439342.36), dbSNP rs142635883, ClinGen allele CA6402453.

ClinVar aggregate classification (germline): Benign/Likely benign. Review status: criteria provided, multiple submitters, no conflicts (2 of 4 stars). 7 submissions from 5 submitters: Benign (3); Likely benign (4). Last evaluated 2025-03-01.

Conditions:
von Willebrand disease type 1 (VWD1). Also called: VWD, TYPE 1; VON WILLEBRAND DISEASE, TYPE I. Identifiers: Orphanet 166078, Orphanet 903, MedGen C1264039, MONDO:0008668, OMIM 193400. Inheritance: autosomal recessive or autosomal dominant.
von Willebrand disease type 3 (VWD3). Also called: Type 3 Von Willebrand's disease; Type 3 VWD; Von Willebrand disease, severe form; V WD3; VON WILLEBRAND DISEASE, TYPE III. Identifiers: Orphanet 166096, MedGen C1264041, MONDO:0010191, OMIM 277480.
von Willebrand disease type 2 (VWD2). Also called: VWD, TYPE 2; VON WILLEBRAND DISEASE, TYPE II; VON WILLEBRAND DISEASE, TYPE 2A/IIE; VON WILLEBRAND DISEASE, TYPE 2CB. Identifiers: Orphanet 166081, Orphanet 903, MedGen C1264040, MONDO:0013304, OMIM 613554.

Allele frequency attached by ClinVar (database versions not stated): gnomAD exomes 0.00026; 1000 Genomes Project 30x 0.00187; 1000 Genomes Project 0.00220; TOPMed 0.00228; ESP Exome Variant Server 0.00300.
gnomAD v4.1: 679 of 1,614,086 alleles (0.042%); highest among the groups gnomAD compares: African/African-American, 0.69%; 2 homozygotes.

Submissions (7):

CeGaT Center for Human Genetics Tuebingen
Classification: Likely benign. Last evaluated: 2025-03-01. Review status: criteria provided, single submitter. Criteria: CeGaT Center For Human Genetics Tuebingen Variant Classification Criteria Version 2. Collection method: clinical testing. Allele origin: germline. Affected: yes. Observed: 2 variant alleles.
Comment: VWF: BP4, BP7

ARUP Laboratories, Molecular Genetics and Genomics, ARUP Laboratories
Classification: Likely benign. Last evaluated: 2025-01-23. Review status: criteria provided, single submitter. Criteria: ARUP Molecular Germline Variant Investigation Process 2024. Collection method: clinical testing. Allele origin: germline.

Blueprint Genetics
Classification: Likely benign. Last evaluated: 2024-07-23. Review status: criteria provided, single submitter. Criteria: ACMG Guidelines, 2015. Collection method: clinical testing. Allele origin: germline.

Quest Diagnostics Nichols Institute San Juan Capistrano
Classification: Likely benign. Last evaluated: 2023-06-20. Review status: criteria provided, single submitter. Criteria: Quest Diagnostics criteria. Collection method: clinical testing. Allele origin: unknown.

Genome-Nilou Lab
Classification: Benign for von Willebrand disease type 1. Last evaluated: 2021-12-05. Review status: criteria provided, single submitter. Criteria: ACMG Guidelines, 2015. Collection method: clinical testing. Allele origin: germline. Affected: no.

Genome-Nilou Lab
Classification: Benign for von Willebrand disease type 3. Last evaluated: 2021-12-05. Review status: criteria provided, single submitter. Criteria: ACMG Guidelines, 2015. Collection method: clinical testing. Allele origin: germline. Affected: no.

Genome-Nilou Lab
Classification: Benign for von Willebrand disease type 2. Last evaluated: 2021-12-05. Review status: criteria provided, single submitter. Criteria: ACMG Guidelines, 2015. Collection method: clinical testing. Allele origin: germline. Affected: no.